The following is an entry in ClinVar:

NM_002294.3(LAMP2):c.*4961A>G

Gene: LAMP2 (lysosome associated membrane protein 2; minus strand). Cytogenetic location: Xq24.
Variant type: single nucleotide variant.
Coding change: c.*4961A>G on transcript NM_002294.3 (MANE Select); 4961 bases downstream of the stop codon, A replaced by G.
Molecular consequence: 3 prime UTR variant.
Genome position (GRCh38, 1-based): chrX:120,426,362, T>C on the plus strand (A>G on the coding strand, the complement: LAMP2 is on the minus strand). VCF-style: chrX-120426362-T-C. GRCh37 (hg19) VCF-style: chrX-119560217-T-C.
Other names: c.*2122A>G (NM_001122606.1).
Identifiers: ClinVar variation 367739 (VCV000367739.31), dbSNP rs765371462, ClinGen allele CA10651608.

ClinVar aggregate classification (germline): Conflicting classifications of pathogenicity. Review status: criteria provided, conflicting classifications (1 of 4 stars). 3 submissions from 3 submitters: Uncertain significance (2); Likely benign (1). Last evaluated 2022-11-01.

Conditions:
Danon disease. Also called: PSEUDOGLYCOGENOSIS II; GSD IIb; LYSOSOMAL GLYCOGEN STORAGE DISEASE WITHOUT ACID MALTASE DEFICIENCY; ANTOPOL DISEASE; Glycogen Storage Disease Type IIb. Identifiers: Orphanet 34587, MedGen C0878677, MONDO:0010281, OMIM 300257.

Allele frequency attached by ClinVar (database versions not stated): 1000 Genomes Project 30x 0.00021; 1000 Genomes Project 0.00026; gnomAD 0.00039 and 0.00040; TOPMed 0.00046.
gnomAD v4.1: 44 of 108,650 alleles (0.04%); highest among the groups gnomAD compares: Non-Finnish European, 0.076%; no homozygotes.

Submissions (3):

CeGaT Center for Human Genetics Tuebingen
Classification: Likely benign. Last evaluated: 2022-11-01. Review status: criteria provided, single submitter. Criteria: CeGaT Center For Human Genetics Tuebingen Variant Classification Criteria Version 2. Collection method: clinical testing. Allele origin: germline. Affected: yes. Observed: 1 variant allele.
Comment: LAMP2: BS2

Fulgent Genetics
Classification: Uncertain significance for Danon disease. Last evaluated: 2021-09-16. Review status: criteria provided, single submitter. Criteria: ACMG Guidelines, 2015. Collection method: clinical testing. Allele origin: unknown.

Illumina Laboratory Services, Illumina
Classification: Uncertain significance for Danon disease. Last evaluated: 2018-01-13. Review status: criteria provided, single submitter. Criteria: ICSL Variant Classification Criteria 13 December 2019. Collection method: clinical testing. Allele origin: germline.